The following is an entry in ClinVar:

NM_032482.3(DOT1L):c.2286G>C (p.Lys762Asn)

Gene: DOT1L (DOT1 like histone lysine methyltransferase; plus strand). Cytogenetic location: 19p13.3.
Variant type: single nucleotide variant.
Coding change: c.2286G>C on transcript NM_032482.3 (MANE Select); coding-DNA position 2286, G replaced by C.
Protein change: p.Lys762Asn; replaces lysine 762 with asparagine.
Molecular consequence: missense variant.
Genome position (GRCh38, 1-based): chr19:2,216,643, G>C. VCF-style: chr19-2216643-G-C. GRCh37 (hg19) VCF-style: chr19-2216642-G-C.
Other names: c.2286G>C, p.Lys762Asn (NM_001411141.1); short protein forms K762N.
Identifiers: ClinVar variation 3638849 (VCV003638849.2).

ClinVar aggregate classification (germline): Uncertain significance (1 of 4 stars; one submission).

gnomAD v4.1: 2 of 1,605,570 alleles (0.00012%); highest among the groups gnomAD compares: Non-Finnish European, 0.00017%; no homozygotes.

Submission:

Labcorp Genetics (formerly Invitae), Labcorp
Classification: Uncertain significance. Last evaluated: 2024-02-05. Review status: criteria provided, single submitter. Criteria: Invitae Variant Classification Sherloc (09022015). Collection method: clinical testing. Allele origin: germline.
Comment: This sequence change replaces lysine, which is basic and polar, with asparagine, which is neutral and polar, at codon 762 of the DOT1L protein (p.Lys762Asn). This variant is not present in population databases (gnomAD no frequency). This variant has not been reported in the literature in individuals affected with DOT1L-related conditions. An algorithm developed to predict the effect of missense changes on protein structure and function (PolyPhen-2) suggests that this variant is likely to be tolerated. In summary, the available evidence is currently insufficient to determine the role of this variant in disease. Therefore, it has been classified as a Variant of Uncertain Significance.